The following is an entry in ClinVar:

NM_000528.4(MAN2B1):c.263-1G>A

Gene: MAN2B1 (mannosidase alpha class 2B member 1; minus strand). Cytogenetic location: 19p13.13.
Variant type: single nucleotide variant.
Coding change: c.263-1G>A on transcript NM_000528.4 (MANE Select); the canonical splice acceptor site of the intron before coding-DNA position 263, G replaced by A.
Molecular consequence: splice acceptor variant.
Genome position (GRCh38, 1-based): chr19:12,665,526, C>T on the plus strand (G>A on the coding strand, the complement: MAN2B1 is on the minus strand). VCF-style: chr19-12665526-C-T. GRCh37 (hg19) VCF-style: chr19-12776340-C-T.
Other names: c.263-1G>A (NM_001173498.2).
Identifiers: ClinVar variation 2124037 (VCV002124037.4), dbSNP rs752784885, ClinGen allele CA9226849.
Genomic context (GRCh38, chr19:12,665,526, plus strand): 5'-AGGCAGAGATGACCGAGTCCAGGATGTACTGCACACCGGCGTGCTGGATGTCATTCTTGA[C>T]TGTGGATAACAGGGATAAGGCTCTCAGGGAACAGCAGAGCCAAGGGGGTTATTCCTAGAC-3'

ClinVar aggregate classification (germline): Likely pathogenic (1 of 4 stars; one submission).

Conditions:
Deficiency of alpha-mannosidase (MANSA). Also called: Mannosidosis, alpha-, types I and II; Alpha-Mannosidosis; LYSOSOMAL ALPHA-D-MANNOSIDASE DEFICIENCY. Identifiers: Orphanet 61, MedGen C0024748, MONDO:0009561, OMIM 248500.

Allele frequency attached by ClinVar (database versions not stated): ExAC 0.00001; gnomAD 0.00001.
gnomAD v4.1: 1 of 1,614,048 alleles (0.000062%); highest among the groups gnomAD compares: Non-Finnish European, 0.000085%; no homozygotes.

Submission:

Labcorp Genetics (formerly Invitae), Labcorp
Classification: Likely pathogenic for Deficiency of alpha-mannosidase. Last evaluated: 2022-04-10. Review status: criteria provided, single submitter. Criteria: Invitae Variant Classification Sherloc (09022015). Collection method: clinical testing. Allele origin: germline.
Comment: This sequence change affects an acceptor splice site in intron 2 of the MAN2B1 gene. It is expected to disrupt RNA splicing. Variants that disrupt the donor or acceptor splice site typically lead to a loss of protein function (PMID: 16199547), and loss-of-function variants in MAN2B1 are known to be pathogenic (PMID: 9915946, 22161967). The frequency data for this variant in the population databases is considered unreliable, as metrics indicate poor data quality at this position in the gnomAD database. This variant has not been reported in the literature in individuals affected with MAN2B1-related conditions. Algorithms developed to predict the effect of sequence changes on RNA splicing suggest that this variant may disrupt the consensus splice site. In summary, the currently available evidence indicates that the variant is pathogenic, but additional data are needed to prove that conclusively. Therefore, this variant has been classified as Likely Pathogenic.

Literature cited by the submitters: PubMed 16199547; PubMed 9915946; PubMed 22161967.